The following is an entry in ClinVar:

ClinVar aggregate classification (germline): Pathogenic (1 of 4 stars; one submission).

Conditions:
Diffuse cerebral and cerebellar atrophy - intractable seizures - progressive microcephaly syndrome. Also called: Microcephaly, progressive, with seizures and cerebral and cerebellar atrophy. Identifiers: Orphanet 404437, MedGen C4014239, MONDO:0014335, OMIM 615760.

Submission:

Labcorp Genetics (formerly Invitae), Labcorp
Classification: Pathogenic for Diffuse cerebral and cerebellar atrophy - intractable seizures - progressive microcephaly syndrome. Last evaluated: 2024-03-01. Review status: criteria provided, single submitter. Criteria: Invitae Variant Classification Sherloc (09022015). Collection method: clinical testing. Allele origin: germline.
Comment: This sequence change creates a premature translational stop signal (p.Gln697*) in the QARS gene. It is expected to result in an absent or disrupted protein product. Loss-of-function variants in QARS are known to be pathogenic (PMID: 24656866, 25471517). This variant is not present in population databases (gnomAD no frequency). This variant has not been reported in the literature in individuals affected with QARS-related conditions. Algorithms developed to predict the effect of sequence changes on RNA splicing suggest that this variant may disrupt the consensus splice site. For these reasons, this variant has been classified as Pathogenic.

Literature cited by the submitters: PubMed 24656866; PubMed 25471517.

NM_005051.3(QARS1):c.2089C>T (p.Gln697Ter)

Gene: QARS1 (glutaminyl-tRNA synthetase 1; minus strand). Cytogenetic location: 3p21.31.
Variant type: single nucleotide variant.
Coding change: c.2089C>T on transcript NM_005051.3 (MANE Select); coding-DNA position 2089, C replaced by T.
Protein change: p.Gln697Ter; replaces glutamine 697 with a stop codon.
Molecular consequence: nonsense. On other transcripts: non-coding transcript variant (1).
Genome position (GRCh38, 1-based): chr3:49,098,254, G>A on the plus strand (C>T on the coding strand, the complement: QARS1 is on the minus strand). VCF-style: chr3-49098254-G-A. GRCh37 (hg19) VCF-style: chr3-49135687-G-A.
Other names: c.2056C>T, p.Gln686Ter (NM_001272073.2); short protein forms Q686*, Q697*.
Identifiers: ClinVar variation 3644063 (VCV003644063.2).